The following is an entry in ClinVar:

ClinVar aggregate classification (germline): Uncertain significance (1 of 4 stars; one submission).

Submission:

Labcorp Genetics (formerly Invitae), Labcorp
Classification: Uncertain significance. Last evaluated: 2024-11-30. Review status: criteria provided, single submitter. Criteria: Invitae Variant Classification Sherloc (09022015). Collection method: clinical testing. Allele origin: germline.
Comment: This sequence change affects an acceptor splice site in intron 13 of the ALPK3 gene. While this variant is not anticipated to result in nonsense mediated decay, it likely alters RNA splicing and results in a disrupted protein product. This variant is present in population databases (rs748365542, gnomAD 0.007%). This variant has not been reported in the literature in individuals affected with ALPK3-related conditions. Variants that disrupt the consensus splice site are a relatively common cause of aberrant splicing (PMID: 17576681, 9536098). Algorithms developed to predict the effect of sequence changes on RNA splicing suggest that this variant may disrupt the consensus splice site. In summary, the available evidence is currently insufficient to determine the role of this variant in disease. Therefore, it has been classified as a Variant of Uncertain Significance.

Literature cited by the submitters: PubMed 17576681; PubMed 9536098.

NM_020778.5(ALPK3):c.4773-2A>G

Gene: ALPK3 (alpha kinase 3; plus strand). Cytogenetic location: 15q25.3.
Variant type: single nucleotide variant.
Coding change: c.4773-2A>G on transcript NM_020778.5 (MANE Select); the canonical splice acceptor site of the intron before coding-DNA position 4773, A replaced by G.
Molecular consequence: splice acceptor variant.
Genome position (GRCh38, 1-based): chr15:84,868,109, A>G. VCF-style: chr15-84868109-A-G. GRCh37 (hg19) VCF-style: chr15-85411340-A-G.
Identifiers: ClinVar variation 3670690 (VCV003670690.2).